The following is an entry in ClinVar:

ClinVar aggregate classification (germline): Uncertain significance. Review status: criteria provided, multiple submitters, no conflicts (2 of 4 stars). 3 submissions from 3 submitters: Uncertain significance (3). Last evaluated 2025-12-31.

Conditions:
Inborn genetic diseases. Identifiers: MedGen C0950123, MeSH D030342.
Myopathy, centronuclear, 2 (CNM2). Also called: MYOTUBULAR MYOPATHY, AUTOSOMAL RECESSIVE. Identifiers: Orphanet 169186, MedGen CN031787, MONDO:0009709, OMIM 255200.

Allele frequency attached by ClinVar (database versions not stated): ESP Exome Variant Server 0.00008; gnomAD 0.00015 and 0.00016; 1000 Genomes Project 0.00040; gnomAD exomes 0.00001 and 0.00003; ExAC 0.00010; TOPMed 0.00020; 1000 Genomes Project 30x 0.00031.

Submissions (3):

Labcorp Genetics (formerly Invitae), Labcorp
Classification: Uncertain significance for Myopathy, centronuclear, 2. Last evaluated: 2025-12-31. Review status: criteria provided, single submitter. Criteria: Invitae Variant Classification Sherloc (09022015). Collection method: clinical testing. Allele origin: germline.
Comment: This sequence change replaces alanine, which is neutral and non-polar, with threonine, which is neutral and polar, at codon 380 of the BIN1 protein (p.Ala380Thr). This variant is present in population databases (rs200887814, gnomAD 0.04%). This variant has not been reported in the literature in individuals affected with BIN1-related conditions. ClinVar contains an entry for this variant (Variation ID: 573331). An algorithm developed to predict the effect of missense changes on protein structure and function (PolyPhen-2) suggests that this variant is likely to be tolerated. In summary, the available evidence is currently insufficient to determine the role of this variant in disease. Therefore, it has been classified as a Variant of Uncertain Significance.

Ambry Genetics
Classification: Uncertain significance for Inborn genetic diseases. Last evaluated: 2025-05-20. Review status: criteria provided, single submitter. Criteria: Ambry Variant Classification Scheme 2023. Collection method: clinical testing. Allele origin: germline.

Revvity Omics, Revvity
Classification: Uncertain significance for Myopathy, centronuclear, 2. Last evaluated: 2019-08-14. Review status: criteria provided, single submitter. Criteria: ACMG Guidelines, 2015. Collection method: clinical testing. Allele origin: germline.

NM_139343.3(BIN1):c.1138G>A (p.Ala380Thr)

Gene: BIN1 (bridging integrator 1; minus strand). Cytogenetic location: 2q14.3.
Variant type: single nucleotide variant.
Coding change: c.1138G>A on transcript NM_139343.3 (MANE Select); coding-DNA position 1138, G replaced by A.
Protein change: p.Ala380Thr; replaces alanine 380 with threonine.
Molecular consequence: missense variant. On other transcripts: intron variant (12).
Genome position (GRCh38, 1-based): chr2:127,054,006, C>T on the plus strand (G>A on the coding strand, the complement: BIN1 is on the minus strand). VCF-style: chr2-127054006-C-T. GRCh37 (hg19) VCF-style: chr2-127811582-C-T.
Other names: c.1045G>A, p.Ala349Thr (NM_001320641.2); c.1057G>A, p.Ala353Thr (NM_001320642.1); c.1009G>A, p.Ala337Thr (NM_139344.3); c.838-3094G>A (NM_001320634.1); c.910-3094G>A (NM_139351.3); c.910-2763G>A (NM_139350.3); c.910-1644G>A (NM_139349.3); c.1039-2763G>A (NM_139348.3); and 7 more; short protein forms A380T, A337T, A353T, A349T.
Identifiers: ClinVar variation 573331 (VCV000573331.12), dbSNP rs200887814, ClinGen allele CA1857168.
Genomic context (GRCh38, chr2:127,054,006, plus strand): 5'-GCGGGAGGGGGTCAAAGTCCAGGTCCAGCAGACTGGCCTGCTCCGAGAAAGGCCCCGGGG[C>T]CTCAAACTTGGCAGCAGCAGCAGCAGCAGAGGAGGAAGCAGTTAGTGTTAAGCTGGGAGC-3'
Protein context (NP_647593.1, residues 370-390): ISVTTPSQFE[Ala380Thr]PGPFSEQASL